The following is an entry in ClinVar:

NM_001943.5(DSG2):c.2827G>C (p.Gly943Arg)

Genes: DSG2 (desmoglein 2; plus strand), DSG2-AS1 (DSG2 antisense RNA 1; minus strand). Cytogenetic location: 18q12.1.
Variant type: single nucleotide variant.
Coding change: c.2827G>C on transcript NM_001943.5 (MANE Select); coding-DNA position 2827, G replaced by C.
Protein change: p.Gly943Arg; replaces glycine 943 with arginine.
Molecular consequence: missense variant.
Genome position (GRCh38, 1-based): chr18:31,546,213, G>C. VCF-style: chr18-31546213-G-C. GRCh37 (hg19) VCF-style: chr18-29126176-G-C.
Other names: short protein forms G943R.
Identifiers: ClinVar variation 921365 (VCV000921365.5), dbSNP rs2073307735, ClinGen allele CA402147036.
Genomic context (GRCh38, chr18:31,546,213, plus strand): 5'-CCTCTTCCTGACCCAATGGCTTCTAGAAATGTGATAGCAACAGAAACTTCCTATGTCACA[G>C]GGTCCACTATGCCACCAACCACTGTGATCCTGGGTCCTAGCCAGCCACAGAGCCTTATTG-3'
Protein context (NP_001934.2, residues 933-953): VIATETSYVT[Gly943Arg]STMPPTTVIL

ClinVar aggregate classification (germline): Uncertain significance (1 of 4 stars; one submission).

Conditions:
Cardiomyopathy (CMYO). Also called: Cardiomyopathies. Identifiers: Orphanet 167848, MedGen C0878544, MONDO:0004994, HP:0001638. Inheritance: Various modes of inheritance.

Submission:

Color Diagnostics, LLC DBA Color Health
Classification: Uncertain significance for Cardiomyopathy. Last evaluated: 2023-12-05. Review status: criteria provided, single submitter. Criteria: ACMG Guidelines, 2015. Collection method: clinical testing. Allele origin: germline.
Comment: This missense variant replaces glycine with arginine at codon 943 of the DSG2 protein. Computational prediction tools and conservation analyses are inconclusive regarding the impact of this variant on the protein function. Computational splicing tools suggest that this variant may not impact RNA splicing. To our knowledge, functional assays have not been performed for this variant nor has this variant been reported in individuals affected with cardiovascular disorders in the literature. This variant has not been identified in the general population by the Genome Aggregation Database (gnomAD). Available evidence is insufficient to determine the role of this variant in disease conclusively. Therefore, this variant is classified as a Variant of Uncertain Significance.